The following is an entry in ClinVar:

ClinVar aggregate classification (germline): Likely benign (0 of 4 stars; one submission).

Conditions:
GTF3C3-related disorder. Also called: GTF3C3-related condition.

Allele frequency attached by ClinVar (database versions not stated): gnomAD 0.00009; ExAC 0.00012; TOPMed 0.00013; 1000 Genomes Project 30x 0.00016; 1000 Genomes Project 0.00020.
gnomAD v4.1: 212 of 1,613,162 alleles (0.013%); highest among the groups gnomAD compares: Middle Eastern, 0.033%; no homozygotes.

Submission:

PreventionGenetics, part of Exact Sciences
Classification: Likely benign for GTF3C3-related condition. Last evaluated: 2019-06-13. Review status: no assertion criteria provided. Collection method: clinical testing. Allele origin: germline.
Comment: This variant is classified as likely benign based on ACMG/AMP sequence variant interpretation guidelines (Richards et al. 2015 PMID: 25741868, with internal and published modifications).

NM_012086.5(GTF3C3):c.630G>A (p.Ala210=)

Gene: GTF3C3 (general transcription factor IIIC subunit 3; minus strand). Cytogenetic location: 2q33.1.
Variant type: single nucleotide variant.
Coding change: c.630G>A on transcript NM_012086.5 (MANE Select); coding-DNA position 630, G replaced by A.
Protein change: p.Ala210=; no amino-acid change (alanine 210 retained).
Molecular consequence: synonymous variant.
Genome position (GRCh38, 1-based): chr2:196,789,976, C>T on the plus strand (G>A on the coding strand, the complement: GTF3C3 is on the minus strand). VCF-style: chr2-196789976-C-T. GRCh37 (hg19) VCF-style: chr2-197654700-C-T.
Other names: c.630G>A, p.Ala210= (NM_001206774.2).
Identifiers: ClinVar variation 3033906 (VCV003033906.2), dbSNP rs557820148, ClinGen allele CA2040251.